The following is an entry in ClinVar:

NM_000368.5(TSC1):c.1697del (p.Pro566fs)

Gene: TSC1 (TSC complex subunit 1; minus strand). Cytogenetic location: 9q34.13.
Variant type: Deletion.
Coding change: c.1697del on transcript NM_000368.5 (MANE Select); coding-DNA position 1697, one base deleted (C; older notation c.1697delC).
Protein change: p.Pro566fs; shifts the reading frame from proline 566.
Molecular consequence: frameshift variant.
Genome position (GRCh38, 1-based): chr9:132,905,881, G deleted on the plus strand (C on the coding strand, the reverse complement: TSC1 is on the minus strand); the first of 3 consecutive G bases (chr9:132,905,881-132,905,883); deleting any one gives the same sequence. VCF-style (leftmost placement, unchanged base first): chr9-132905880-AG-A. GRCh37 (hg19) VCF-style: chr9-135781267-AG-A.
Other names: c.1694del, p.Pro565fs (NM_001162426.2); c.1544del, p.Pro515fs (NM_001162427.2); c.1334del, p.Pro445fs (NM_001362177.2); c.1697delC (NM_000368.4); short protein forms P515fs, P445fs, P565fs, P566fs.
Identifiers: ClinVar variation 48817 (VCV000048817.14), dbSNP rs118203563, ClinGen allele CA005216.

ClinVar aggregate classification (germline): Pathogenic. Review status: criteria provided, multiple submitters, no conflicts (2 of 4 stars). 6 submissions from 6 submitters: Pathogenic (5). 1 of the submissions does not count toward it. Last evaluated 2023-10-04.

Conditions:
Tuberous sclerosis syndrome (TSC). Also called: Tuberous Sclerosis Complex; Tuberous sclerosis. Identifiers: Orphanet 805, MedGen C0041341, MONDO:0001734.
Tuberous sclerosis 1 (TSC1). Identifiers: Orphanet 805, MedGen C1854465, MONDO:0008612, OMIM 191100.

Submissions (6):

GeneDx
Classification: Pathogenic. Last evaluated: 2023-10-04. Review status: criteria provided, single submitter. Criteria: GeneDx Variant Classification Process June 2021. Collection method: clinical testing. Allele origin: germline. Affected: yes.
Comment: Frameshift variant predicted to result in protein truncation or nonsense mediated decay in a gene for which loss of function is a known mechanism of disease; Not observed at significant frequency in large population cohorts (gnomAD); This variant is associated with the following publications: (PMID: 11112665, 10607950)

Genome-Nilou Lab
Classification: Pathogenic for Tuberous sclerosis 1. Last evaluated: 2021-11-07. Review status: criteria provided, single submitter. Criteria: ACMG Guidelines, 2015. Collection method: clinical testing. Allele origin: germline. Affected: no.

Athena Diagnostics
Classification: Pathogenic. Last evaluated: 2020-10-30. Review status: criteria provided, single submitter. Criteria: Athena Diagnostics criteria. Collection method: clinical testing. Allele origin: unknown.
Comment: This variant is expected to result in the loss of a functional protein. This variant has not been reported in large, multi-ethnic general populations. This variant has been identified in at least one individual with clinical features associated with this gene. In some published literature, this variant is referred to as del1918C.

Labcorp Genetics (formerly Invitae), Labcorp
Classification: Pathogenic for Tuberous sclerosis 1. Last evaluated: 2019-08-11. Review status: criteria provided, single submitter. Criteria: Invitae Variant Classification Sherloc (09022015). Collection method: clinical testing. Allele origin: germline.
Comment: This sequence change creates a premature translational stop signal (p.Pro566Leufs*63) in the TSC1 gene. It is expected to result in an absent or disrupted protein product. This variant is not present in population databases (ExAC no frequency). This variant has been observed in several individuals affected with tuberous sclerosis (PMID: 10607950, 11112665). This variant is also known as del1918C in the literature. ClinVar contains an entry for this variant (Variation ID: 48817). Loss-of-function variants in TSC1 are known to be pathogenic (PMID: 10227394, 17304050). For these reasons, this variant has been classified as Pathogenic.

Center for Human Genetics, Inc
Classification: Pathogenic for Tuberous sclerosis 1. Last evaluated: 2016-11-01. Review status: criteria provided, single submitter. Criteria: ACMG Guidelines, 2015. Collection method: clinical testing. Allele origin: germline. Affected: yes.

Tuberous sclerosis database (TSC1)
No classification provided. Condition: TSC. Review status: no classification provided. Criteria: Tuberous Sclerosis Database Assertion Criteria 2015. Collection method: curation. Allele origin: germline. Affected: yes. Not counted in ClinVar's aggregate classification.

Literature cited by the submitters: PubMed 11112665 (cited by Athena Diagnostics and Labcorp Genetics (formerly Invitae), Labcorp); PubMed 10607950 (cited by Athena Diagnostics and Labcorp Genetics (formerly Invitae), Labcorp); PubMed 10227394 (cited by Labcorp Genetics (formerly Invitae), Labcorp); PubMed 17304050 (cited by Labcorp Genetics (formerly Invitae), Labcorp).